The following is an entry in ClinVar:

Conditions:
Breast-ovarian cancer, familial, susceptibility to, 1 (BROVCA1). Also called: BRCA1 Hereditary Breast and Ovarian Cancer; OVARIAN CANCER, SUSCEPTIBILITY TO. Identifiers: Orphanet 145, MedGen C2676676, MONDO:0011450, OMIM 604370. Disease mechanism: loss of function.

Allele frequency attached by ClinVar (database versions not stated): gnomAD exomes below 0.00001.
gnomAD v4.1: 1 of 1,614,150 alleles (0.000062%); highest among the groups gnomAD compares: Non-Finnish European, 0.000085%; no homozygotes.

Submission:

Brotman Baty Institute, University of Washington
No classification provided (evidence only). Condition: Breast-ovarian cancer, familial 1. Review status: no classification provided. Collection method: in vitro. Allele origin: not applicable. Functional consequence: functionally_normal.
ClinVar note: "not provided" was previously submitted as the classification for the variant. However, the classification appeared to be based only on an observation of functional data so it was converted to no classification on 2025-07-30.

NM_007294.4(BRCA1):c.5464C>A (p.His1822Asn)

Gene: BRCA1 (BRCA1 DNA repair associated; minus strand). Cytogenetic location: 17q21.31.
Variant type: single nucleotide variant.
Coding change: c.5464C>A on transcript NM_007294.4 (MANE Select); coding-DNA position 5464, C replaced by A.
Protein change: p.His1822Asn; replaces histidine 1822 with asparagine.
Molecular consequence: missense variant. On other transcripts: non-coding transcript variant (1).
Genome position (GRCh38, 1-based): chr17:43,047,646, G>T on the plus strand (C>A on the coding strand, the complement: BRCA1 is on the minus strand). VCF-style: chr17-43047646-G-T. GRCh37 (hg19) VCF-style: chr17-41199663-G-T.
Other names: c.5464C>A, p.His1822Asn (NM_001407596.1, NM_001407597.1, NM_001407598.1 and 5 more transcripts); c.5461C>A, p.His1821Asn (NM_001407610.1, NM_001407611.1, NM_001407612.1 and 14 more transcripts); c.5458C>A, p.His1820Asn (NM_001407627.1, NM_001407628.1, NM_001407629.1 and 13 more transcripts); c.5455C>A, p.His1819Asn (NM_001407644.1, NM_001407645.1); c.5452C>A, p.His1818Asn (NM_001407646.1); c.5449C>A, p.His1817Asn (NM_001407647.1); c.5407C>A, p.His1803Asn (NM_001407648.1); c.5404C>A, p.His1802Asn (NM_001407649.1); and 83 more; short protein forms H1775N, H1822N, H718N, P693Q, H1843N, H1734N, H1752N, H1774N.
Identifiers: ClinVar variation 868517 (VCV000868517.3), dbSNP rs2050976551, ClinGen allele CA10590432.